The following is an entry in ClinVar:

ClinVar aggregate classification (germline): Uncertain significance. Review status: criteria provided, multiple submitters, no conflicts (2 of 4 stars). 5 submissions from 5 submitters: Uncertain significance (4). 1 of the submissions does not count toward it. Last evaluated 2024-10-02.

Conditions:
Agammaglobulinemia 3, autosomal recessive (AGM3). Also called: AGAMMAGLOBULINEMIA 3; AGAMMAGLOBULINEMIA, AUTOSOMAL RECESSIVE, DUE TO CD79A DEFECT. Identifiers: MedGen C3150751, MONDO:0013288, OMIM 613501.

Allele frequency attached by ClinVar (database versions not stated): 1000 Genomes Project 0.00060; gnomAD exomes 0.00076 and 0.00199; 1000 Genomes Project 30x 0.00078; TOPMed 0.00082; gnomAD 0.00085 and 0.00088; ExAC 0.00091; ESP Exome Variant Server 0.00131.
gnomAD v4.1: 2,973 of 1,612,416 alleles (0.18%); highest among the groups gnomAD compares: Non-Finnish European, 0.24%; 6 homozygotes.

Submissions (5):

Blueprint Genetics
Classification: Uncertain significance. Last evaluated: 2024-10-02. Review status: criteria provided, single submitter. Criteria: ACMG Guidelines, 2015. Collection method: clinical testing. Allele origin: germline.

Labcorp Genetics (formerly Invitae), Labcorp
Classification: Uncertain significance for Agammaglobulinemia 3, autosomal recessive. Last evaluated: 2023-12-25. Review status: criteria provided, single submitter. Criteria: Invitae Variant Classification Sherloc (09022015). Collection method: clinical testing. Allele origin: germline.
Comment: This sequence change replaces arginine, which is basic and polar, with histidine, which is basic and polar, at codon 124 of the CD79A protein (p.Arg124His). This variant is present in population databases (rs144367487, gnomAD 0.2%), including at least one homozygous and/or hemizygous individual. This missense change has been observed in individual(s) with rheumatic diseases and hypogammaglobulinaemia (PMID: 33046446). ClinVar contains an entry for this variant (Variation ID: 133834). An algorithm developed to predict the effect of missense changes on protein structure and function (PolyPhen-2) suggests that this variant is likely to be disruptive. In summary, the available evidence is currently insufficient to determine the role of this variant in disease. Therefore, it has been classified as a Variant of Uncertain Significance.

GeneDx
Classification: Uncertain significance. Last evaluated: 2022-10-05. Review status: criteria provided, single submitter. Criteria: GeneDx Variant Classification Process June 2021. Collection method: clinical testing. Allele origin: germline. Affected: yes.
Comment: Reported in a patient with spondyloarthritis; however, no second variant was reported (Sogkas et al., 2020); In silico analysis supports that this missense variant has a deleterious effect on protein structure/function; This variant is associated with the following publications: (PMID: 33046446, 24728327)

Breakthrough Genomics
Classification: Uncertain significance. Review status: criteria provided, single submitter. Criteria: ACMG Guidelines, 2015. Collection method: not provided. Allele origin: germline. Inheritance: Autosomal dominant inheritance. Affected: yes.

ITMI
No classification provided. Condition: AllHighlyPenetrant. Last evaluated: 2013-09-19. Review status: no classification provided. Collection method: reference population. Allele origin: germline. Not counted in ClinVar's aggregate classification.
Comment: Please see associated publication for description of ethnicities

Literature cited by the submitters: PubMed 33046446 (cited by Labcorp Genetics (formerly Invitae), Labcorp); PubMed 24728327 (cited by ITMI).

NM_001783.4(CD79A):c.371G>A (p.Arg124His)

Genes: CD79A (CD79a molecule; plus strand), RPS19-CD79A (RPS19-CD79A readthrough; plus strand). Cytogenetic location: 19q13.2.
Variant type: single nucleotide variant.
Coding change: c.371G>A on transcript NM_001783.4 (MANE Select); coding-DNA position 371, G replaced by A.
Protein change: p.Arg124His; replaces arginine 124 with histidine.
Molecular consequence: missense variant. On other transcripts: intron variant (1).
Genome position (GRCh38, 1-based): chr19:41,879,281, G>A. VCF-style: chr19-41879281-G-A. GRCh37 (hg19) VCF-style: chr19-42383351-G-A.
Other names: c.265+106G>A (NM_021601.4); short protein forms R124H.
Identifiers: ClinVar variation 133834 (VCV000133834.11), dbSNP rs144367487, ClinGen allele CA157915.